The following is an entry in ClinVar:

NM_015450.3(POT1):c.533C>T (p.Ser178Leu)

Gene: POT1 (protection of telomeres 1; minus strand). Cytogenetic location: 7q31.33.
Variant type: single nucleotide variant.
Coding change: c.533C>T on transcript NM_015450.3 (MANE Select); coding-DNA position 533, C replaced by T.
Protein change: p.Ser178Leu; replaces serine 178 with leucine.
Molecular consequence: missense variant. On other transcripts: non-coding transcript variant (3).
Genome position (GRCh38, 1-based): chr7:124,863,363, G>A on the plus strand (C>T on the coding strand, the complement: POT1 is on the minus strand). VCF-style: chr7-124863363-G-A. GRCh37 (hg19) VCF-style: chr7-124503417-G-A.
Other names: c.140C>T, p.Ser47Leu (NM_001042594.2); short protein forms S47L, S178L.
Identifiers: ClinVar variation 651760 (VCV000651760.16), dbSNP rs1584772907, ClinGen allele CA369058621.
Genomic context (GRCh38, chr7:124,863,363, plus strand): 5'-ATGTAAGTGGTGCTAACTTATAATTCCCAGTATTAAAAAATATGTACCTTTAGAAGAAAT[G>A]ATGCTCCGTCCACTTCTGCTTTGCCCAAGAGCTGACAAGTCAGGTCAAAATACTGCATTG-3'
Protein context (NP_056265.2, residues 168-188): LLGKAEVDGA[Ser178Leu]FLLKVWDGTR

ClinVar aggregate classification (germline): Uncertain significance. Review status: criteria provided, multiple submitters, no conflicts (2 of 4 stars). 3 submissions from 3 submitters: Uncertain significance (3). Last evaluated 2024-07-28.

Conditions:
Tumor predisposition syndrome 3 (TPDS3). Also called: Melanoma, cutaneous malignant, susceptibility to, 10; Glioma susceptibility 9; LONG TELOMERE SYNDROME, POT1-RELATED; POT1 Tumor Predisposition. Identifiers: Orphanet 618, MedGen C4014476, MONDO:0014368, OMIM 615848.
Hereditary cancer-predisposing syndrome. Also called: Tumor predisposition; Neoplastic Syndromes, Hereditary; Hereditary Cancer Syndrome; Hereditary neoplastic syndrome. Identifiers: Orphanet 140162, MedGen C0027672, MeSH D009386, MONDO:0015356.

Submissions (3):

Ambry Genetics
Classification: Uncertain significance for Hereditary cancer-predisposing syndrome. Last evaluated: 2024-07-28. Review status: criteria provided, single submitter. Criteria: Ambry Variant Classification Scheme 2023. Collection method: clinical testing. Allele origin: germline.
Comment: The p.S178L variant (also known as c.533C>T), located in coding exon 4 of the POT1 gene, results from a C to T substitution at nucleotide position 533. The serine at codon 178 is replaced by leucine, an amino acid with dissimilar properties. This amino acid position is well conserved in available vertebrate species. In addition, this alteration is predicted to be tolerated by in silico analysis. Since supporting evidence is limited at this time, the clinical significance of this alteration remains unclear.

GeneDx
Classification: Uncertain significance. Last evaluated: 2024-03-29. Review status: criteria provided, single submitter. Criteria: GeneDx Variant Classification Process June 2021. Collection method: clinical testing. Allele origin: germline. Affected: yes.
Comment: Not observed at significant frequency in large population cohorts (gnomAD); In silico analysis supports that this missense variant has a deleterious effect on protein structure/function; Has not been previously published as pathogenic or benign to our knowledge; This variant is associated with the following publications: (PMID: 28393830)

Labcorp Genetics (formerly Invitae), Labcorp
Classification: Uncertain significance for Tumor predisposition syndrome 3. Last evaluated: 2023-05-19. Review status: criteria provided, single submitter. Criteria: Invitae Variant Classification Sherloc (09022015). Collection method: clinical testing. Allele origin: germline.
Comment: Advanced modeling of protein sequence and biophysical properties (such as structural, functional, and spatial information, amino acid conservation, physicochemical variation, residue mobility, and thermodynamic stability) performed at Invitae indicates that this missense variant is not expected to disrupt POT1 protein function. ClinVar contains an entry for this variant (Variation ID: 651760). This variant has not been reported in the literature in individuals affected with POT1-related conditions. This variant is not present in population databases (gnomAD no frequency). This sequence change replaces serine, which is neutral and polar, with leucine, which is neutral and non-polar, at codon 178 of the POT1 protein (p.Ser178Leu). In summary, the available evidence is currently insufficient to determine the role of this variant in disease. Therefore, it has been classified as a Variant of Uncertain Significance.